The following is an entry in ClinVar:

NM_006231.4(POLE):c.1694C>T (p.Ala565Val)

Gene: POLE (DNA polymerase epsilon, catalytic subunit; minus strand). Cytogenetic location: 12q24.33.
Variant type: single nucleotide variant.
Coding change: c.1694C>T on transcript NM_006231.4 (MANE Select); coding-DNA position 1694, C replaced by T.
Protein change: p.Ala565Val; replaces alanine 565 with valine.
Molecular consequence: missense variant.
Genome position (GRCh38, 1-based): chr12:132,672,315, G>A on the plus strand (C>T on the coding strand, the complement: POLE is on the minus strand). VCF-style: chr12-132672315-G-A. GRCh37 (hg19) VCF-style: chr12-133248901-G-A.
Other names: c.1694C>T (NM_006231.2); short protein forms A565V.
Identifiers: ClinVar variation 1991931 (VCV001991931.7), dbSNP rs1216458582, ClinGen allele CA387356409.

ClinVar aggregate classification (germline): Uncertain significance. Review status: criteria provided, multiple submitters, no conflicts (2 of 4 stars). 2 submissions from 2 submitters: Uncertain significance (2). Last evaluated 2025-04-09.

Conditions:
Hereditary cancer-predisposing syndrome. Also called: Tumor predisposition; Hereditary Cancer Syndrome; Hereditary neoplastic syndrome; Neoplastic Syndromes, Hereditary. Identifiers: Orphanet 140162, MedGen C0027672, MeSH D009386, MONDO:0015356.

Allele frequency attached by ClinVar (database versions not stated): gnomAD exomes below 0.00001.
gnomAD v4.1: 3 of 1,613,802 alleles (0.00019%); highest among the groups gnomAD compares: Admixed American, 0.0017%; no homozygotes.

Submissions (2):

Ambry Genetics
Classification: Uncertain significance for Hereditary cancer-predisposing syndrome. Last evaluated: 2025-04-09. Review status: criteria provided, single submitter. Criteria: Ambry Variant Classification Scheme 2023. Collection method: clinical testing. Allele origin: germline.
Comment: The p.A565V variant (also known as c.1694C>T), located in coding exon 16 of the POLE gene, results from a C to T substitution at nucleotide position 1694. The alanine at codon 565 is replaced by valine, an amino acid with similar properties. This amino acid position is conserved. In addition, this alteration is predicted to be tolerated by in silico analysis. Based on the available evidence, the clinical significance of this variant remains unclear.

Labcorp Genetics (formerly Invitae), Labcorp
Classification: Uncertain significance. Last evaluated: 2024-11-13. Review status: criteria provided, single submitter. Criteria: Invitae Variant Classification Sherloc (09022015). Collection method: clinical testing. Allele origin: germline.
Comment: This sequence change replaces alanine, which is neutral and non-polar, with valine, which is neutral and non-polar, at codon 565 of the POLE protein (p.Ala565Val). This variant is present in population databases (no rsID available, gnomAD 0.003%). This variant has not been reported in the literature in individuals affected with POLE-related conditions. ClinVar contains an entry for this variant (Variation ID: 1991931). Invitae Evidence Modeling of protein sequence and biophysical properties (such as structural, functional, and spatial information, amino acid conservation, physicochemical variation, residue mobility, and thermodynamic stability) indicates that this missense variant is not expected to disrupt POLE protein function with a negative predictive value of 80%. In summary, the available evidence is currently insufficient to determine the role of this variant in disease. Therefore, it has been classified as a Variant of Uncertain Significance.